The following is an entry in ClinVar:

ClinVar aggregate classification (germline): Pathogenic. Review status: criteria provided, multiple submitters, no conflicts (2 of 4 stars). 2 submissions from 2 submitters: Pathogenic (2). Last evaluated 2024-05-20.
ClinVar aggregate classification (oncogenicity): Likely oncogenic (1 of 4 stars; one submission).

Conditions:
Retinoblastoma (RB1). Also called: RETINOBLASTOMA, SOMATIC. Identifiers: Orphanet 790, MedGen C0035335, MeSH D012175, MONDO:0008380, OMIM 180200, HP:0009919. Disease mechanism: loss of function. Inheritance: Both sporadic and heritable forms are tested..
Neoplasm. Also called: Neoplasms; Neoplasm (disease); tumor. Identifiers: MedGen C0027651, MeSH D009369, MONDO:0005070, HP:0002664.

Submissions (3):

Center for Genomic Medicine, Rigshospitalet, Copenhagen University Hospital
Classification: Likely oncogenic for Neoplasm. Last evaluated: 2025-03-04. Review status: criteria provided, single submitter. Criteria: ClinGen/CGC/VICC Guidelines for Oncogenicity, 2022. Collection method: clinical testing. Allele origin: somatic. Affected: yes.

Genetic Diagnostic Laboratory, University of Pennsylvania School of Medicine
Classification: Pathogenic for Retinoblastoma. Last evaluated: 2024-05-20. Review status: criteria provided, single submitter. Criteria: ACMG Guidelines, 2015. Collection method: clinical testing. Allele origin: germline. Affected: yes. Observed: 2 variant alleles.
Comment: Case and Pedigree Information: BILATERAL CASES:2, UNILATERAL CASES:0, TOTAL CASES:2, PEDIGREES:2. ACMG Codes Applied:PVS1, PM2

Labcorp Genetics (formerly Invitae), Labcorp
Classification: Pathogenic for Retinoblastoma. Last evaluated: 2020-08-25. Review status: criteria provided, single submitter. Criteria: Invitae Variant Classification Sherloc (09022015). Collection method: clinical testing. Allele origin: germline.
Comment: This sequence change creates a premature translational stop signal (p.Glu413*) in the RB1 gene. It is expected to result in an absent or disrupted protein product. This variant is not present in population databases (ExAC no frequency). For these reasons, this variant has been classified as Pathogenic. Loss-of-function variants in RB1 are known to be pathogenic (PMID: 17096365). This variant has been observed in individual(s) with bilateral retinoblastoma (PMID: 20090211).

Literature cited by the submitters: PubMed 17096365 (cited by Labcorp Genetics (formerly Invitae), Labcorp); PubMed 20090211 (cited by Labcorp Genetics (formerly Invitae), Labcorp).

NM_000321.3(RB1):c.1237G>T (p.Glu413Ter)

Gene: RB1 (RB transcriptional corepressor 1; plus strand). Cytogenetic location: 13q14.2.
Variant type: single nucleotide variant.
Coding change: c.1237G>T on transcript NM_000321.3 (MANE Select); coding-DNA position 1237, G replaced by T.
Protein change: p.Glu413Ter; replaces glutamic acid 413 with a stop codon.
Molecular consequence: nonsense.
Genome position (GRCh38, 1-based): chr13:48,376,939, G>T. VCF-style: chr13-48376939-G-T. GRCh37 (hg19) VCF-style: chr13-48951075-G-T.
Other names: short protein forms E413*.
Identifiers: ClinVar variation 1069207 (VCV001069207.12), dbSNP rs2138136261, ClinGen allele CA388161978.